The following is an entry in ClinVar:

NM_058195.4(CDKN2A):c.115G>C (p.Ala39Pro)

Gene: CDKN2A (cyclin dependent kinase inhibitor 2A; minus strand). Cytogenetic location: 9p21.3.
Variant type: single nucleotide variant.
Coding change: c.115G>C on transcript NM_058195.4 (MANE Plus Clinical); coding-DNA position 115, G replaced by C.
Protein change: p.Ala39Pro; replaces alanine 39 with proline.
Molecular consequence: missense variant. On other transcripts: intron variant (1).
Genome position (GRCh38, 1-based): chr9:21,994,217, C>G on the plus strand (G>C on the coding strand, the complement: CDKN2A is on the minus strand). VCF-style: chr9-21994217-C-G. GRCh37 (hg19) VCF-style: chr9-21994216-C-G.
Other names: c.-4+604G>C (NM_001363763.2); short protein forms A39P.
Identifiers: ClinVar variation 4844736 (VCV004844736.1).

ClinVar aggregate classification (germline): Uncertain significance (1 of 4 stars; one submission).

Conditions:
Hereditary cancer-predisposing syndrome. Also called: Tumor predisposition; Hereditary neoplastic syndrome; Hereditary Cancer Syndrome; Neoplastic Syndromes, Hereditary. Identifiers: Orphanet 140162, MedGen C0027672, MeSH D009386, MONDO:0015356.

Submission:

Ambry Genetics
Classification: Uncertain significance for Hereditary cancer-predisposing syndrome. Last evaluated: 2026-01-29. Review status: criteria provided, single submitter. Criteria: Ambry Variant Classification Scheme 2023. Collection method: clinical testing. Allele origin: germline.
Comment: The p.A39P variant (also known as c.115G>C), located in coding exon 1 of the CDKN2A (p14ARF) gene, results from a G to C substitution at nucleotide position 115. The alanine at codon 39 is replaced by proline, an amino acid with highly similar properties. This amino acid position is poorly conserved in available vertebrate species. Based on the available evidence, the clinical significance of this variant remains unclear.